The following is an entry in ClinVar:

NM_001101426.4(CRPPA):c.1097dup (p.Leu366fs)

Genes: CRPPA (CDP-L-ribitol pyrophosphorylase A; minus strand), CRPPA-AS1 (CRPPA antisense RNA 1; plus strand). Cytogenetic location: 7p21.2.
Variant type: Duplication.
Coding change: c.1097dup on transcript NM_001101426.4 (MANE Select); coding-DNA position 1097, one base duplicated (T; older notation c.1097dupT).
Protein change: p.Leu366fs; shifts the reading frame from leucine 366.
Molecular consequence: frameshift variant. On other transcripts: non-coding transcript variant (1).
Genome position (GRCh38, 1-based): chr7:16,258,412, A duplicated on the plus strand (T on the coding strand, the reverse complement: CRPPA is on the minus strand); the first of 4 consecutive A bases (chr7:16,258,412-16,258,415); duplicating any one gives the same sequence. VCF-style (leftmost placement, unchanged base first): chr7-16258411-T-TA. GRCh37 (hg19) VCF-style: chr7-16298036-T-TA.
Other names: c.947dup, p.Leu316fs (NM_001101417.4); c.992dup, p.Leu331fs (NM_001368197.1); short protein forms L316fs, L331fs, L366fs.
Identifiers: ClinVar variation 4793536 (VCV004793536.1).
Genomic context (GRCh38, chr7:16,258,411, plus strand): 5'-AGCATAAGTTTGAGAAAAATCTGCATTAATTTCACTTACTGAAACAACAACAACAGGATA[T>TA]AAAATGCAAAGACTACTCTCTTCAAGCATGCTCAGTAACTTCTGGGTTTCTTGAAAATCA-3'

ClinVar aggregate classification (germline): Pathogenic (1 of 4 stars; one submission).

Conditions:
Muscular dystrophy-dystroglycanopathy (congenital with brain and eye anomalies), type A, 7. Also called: WALKER-WARBURG SYNDROME OR MUSCLE-EYE-BRAIN DISEASE, ISPD-RELATED; Congenital muscular dystrophy-dystroglycanopathy with brain and eye anomalies, type A7. Identifiers: Orphanet 899, MedGen C3553330, MONDO:0013835, OMIM 614643.
Autosomal recessive limb-girdle muscular dystrophy type 2U. Also called: Muscular dystrophy-dystroglycanopathy (limb-girdle), type c, 7; MUSCULAR DYSTROPHY, LIMB-GIRDLE, TYPE 2U. Identifiers: Orphanet 352479, MedGen C5190987, MONDO:0014474, OMIM 616052.

Submission:

Labcorp Genetics (formerly Invitae), Labcorp
Classification: Pathogenic for Muscular dystrophy-dystroglycanopathy (congenital with brain and eye anomalies), type A, 7; Autosomal recessive limb-girdle muscular dystrophy type 2U. Last evaluated: 2025-06-05. Review status: criteria provided, single submitter. Criteria: Invitae Variant Classification Sherloc (09022015). Collection method: clinical testing. Allele origin: germline.
Comment: This sequence change creates a premature translational stop signal (p.Leu366Phefs*13) in the ISPD gene. It is expected to result in an absent or disrupted protein product. Loss-of-function variants in ISPD are known to be pathogenic (PMID: 23288328). This variant is not present in population databases (gnomAD no frequency). This variant has not been reported in the literature in individuals affected with ISPD-related conditions. For these reasons, this variant has been classified as Pathogenic.

Literature cited by the submitters: PubMed 23288328.